The following continues an entry in ClinVar:

NM_000263.4(NAGLU):c.1834A>G (p.Ser612Gly)

Gene: NAGLU. ClinVar aggregate classification (germline): Pathogenic. Pathogenic (14).

Submissions 12 to 15 of 15:

Knight Diagnostic Laboratories, Oregon Health and Sciences University
Classification: Pathogenic. Last evaluated: 2019-12-13. Review status: criteria provided, single submitter. Criteria: ACMG Guidelines, 2015. Collection method: clinical testing. Allele origin: germline. Observed: 1 variant allele.

Illumina Laboratory Services, Illumina
Classification: Pathogenic for Mucopolysaccharidosis, MPS-III-B. Last evaluated: 2018-11-01. Review status: criteria provided, single submitter. Criteria: ICSL Variant Classification Criteria 09 May 2019. Collection method: clinical testing. Allele origin: germline.
Comment: The NAGLU c.1834A>G (p.Ser612Gly) variant has been reported in four studies and in a total of 11 probands with mucopolysaccharidosis including ten probands in a compound heterozygous state and one proband in a homozygous state (Zhao et al. 1998; Verhoeven et al. 2010; Valstar et al. 2010; Selmer et al. 2012). Segregation analysis confirmed co-segregation with disease in a clear autosomal recessive inheritance pattern in two families (Zhao et al. 1998; Selmer et al. 2012). Control data are unavailable for this variant, which is reported at a frequency of 0.00022 in the European (non-Finnish) population of the Exome Aggregation Consortium. Two studies demonstrated deficient alpha-N-acetyl glucosaminidase (NAGLU) enzyme activity in cultured fibroblasts from affected subjects (Verhoeven et al. 2010; Selmer et al. 2012). In five of the six families reported, this variant was associated with an attenuated phenotype of MPS IIIB with a slower progression of disease. Based on the collective evidence the p.Ser612Gly variant is classified as a pathogenic variant for mucopolysaccharidosis type III. This variant was observed by ICSL as part of a predisposition screen in an ostensibly healthy population.

Undiagnosed Diseases Network, NIH
Classification: Pathogenic for Mucopolysaccharidosis, MPS-III-B. Last evaluated: 2017-02-09. Review status: criteria provided, single submitter. Criteria: ACMG Guidelines, 2015. Collection method: clinical testing. Allele origin: paternal. Inheritance: Autosomal recessive inheritance. Affected: yes. Observed: 1 variant allele, 1 compound heterozygote. Study: Undiagnosed Diseases Network (NIH), UDN.

GeneReviews
No classification provided. Condition: Mucopolysaccharidosis. Review status: no classification provided. Collection method: literature only. Allele origin: germline. Not counted in ClinVar's aggregate classification.

Literature cited by the submitters: PubMed 20852935 (cited by 6 submitters); PubMed 29979746 (cited by Women's Health and Genetics/Laboratory Corporation of America, LabCorp and Pittsburgh Clinical Genomics Laboratory, University of Pittsburgh Medical Center); PubMed 26907177 (cited by 3 submitters); PubMed 28751108 (cited by Women's Health and Genetics/Laboratory Corporation of America, LabCorp and Pittsburgh Clinical Genomics Laboratory, University of Pittsburgh Medical Center); PubMed 9443875 (cited by 3 submitters); PubMed 21712855 (cited by 3 submitters); PubMed 25256447 (cited by Labcorp Genetics (formerly Invitae), Labcorp); PubMed 34743503 (cited by Pittsburgh Clinical Genomics Laboratory, University of Pittsburgh Medical Center); PubMed 20040070 (cited by Pittsburgh Clinical Genomics Laboratory, University of Pittsburgh Medical Center and Illumina Laboratory Services, Illumina); PubMed 31536183 (cited by GeneReviews).